The following is an entry in ClinVar:

NM_001386298.1(CIC):c.-3A>G

Gene: CIC (capicua transcriptional repressor; plus strand). Cytogenetic location: 19q13.2.
Variant type: single nucleotide variant.
Coding change: c.-3A>G on transcript NM_001386298.1 (MANE Select); 3 bases upstream of the start codon, A replaced by G.
Molecular consequence: 5 prime UTR variant. On other transcripts: genic upstream transcript variant (1).
Genome position (GRCh38, 1-based): chr19:42,271,781, A>G. VCF-style: chr19-42271781-A-G. GRCh37 (hg19) VCF-style: chr19-42775933-A-G.
Other names: c.-12924A>G (NM_015125.5); c.-3A>G (NM_001304815.2, NM_001379480.1, NM_001379482.1 and 6 more transcripts).
Identifiers: ClinVar variation 4848439 (VCV004848439.1).

ClinVar aggregate classification (germline): Uncertain significance (1 of 4 stars; one submission).

gnomAD v4.1: 3 of 398,582 alleles (0.00075%); highest among the groups gnomAD compares: Non-Finnish European, 0.0013%; no homozygotes.

Submission:

Women's Health and Genetics/Laboratory Corporation of America, LabCorp
Classification: Uncertain significance. Last evaluated: 2026-04-29. Review status: criteria provided, single submitter. Criteria: LabCorp Variant Classification Summary - May 2015. Collection method: clinical testing. Allele origin: germline.
Comment: Variant summary: CIC c.-12924A>G, also annotated as c.-3A>G in NM_001304815, is located in the untranscribed region upstream of the CIC gene region. The variant allele was found at a frequency of 7.5e-06 in 398582 control chromosomes. To our knowledge, no occurrence of c.-12924A>G in individuals affected with CIC-related conditions and no experimental evidence demonstrating its impact on protein function have been reported. No submitters have cited clinical-significance assessments for this variant to ClinVar. Based on the evidence outlined above, the variant was classified as uncertain significance.